The following is an entry in ClinVar:

ClinVar aggregate classification (germline): Pathogenic (1 of 4 stars; one submission).

Conditions:
Osteogenesis imperfecta type I (OI1). Also called: OI, TYPE I; OSTEOGENESIS IMPERFECTA TARDA; OSTEOGENESIS IMPERFECTA WITH BLUE SCLERAE; Osteogenesis imperfecta type 1; Lobstein disease; Lobstein's Disease. Identifiers: Orphanet 216796, Orphanet 666, MedGen C0023931, MONDO:0008146, OMIM 166200. Disease mechanism: loss of function.

Submission:

Labcorp Genetics (formerly Invitae), Labcorp
Classification: Pathogenic for Osteogenesis imperfecta type I. Last evaluated: 2024-08-30. Review status: criteria provided, single submitter. Criteria: Invitae Variant Classification Sherloc (09022015). Collection method: clinical testing. Allele origin: germline.
Comment: This sequence change replaces glycine, which is neutral and non-polar, with alanine, which is neutral and non-polar, at codon 596 of the COL1A1 protein (p.Gly596Ala). This variant is not present in population databases (gnomAD no frequency). This missense change has been observed in individual(s) with osteogenesis imperfecta (PMID: 27748872; internal data). ClinVar contains an entry for this variant (Variation ID: 2138074). Invitae Evidence Modeling of protein sequence and biophysical properties (such as structural, functional, and spatial information, amino acid conservation, physicochemical variation, residue mobility, and thermodynamic stability) indicates that this missense variant is expected to disrupt COL1A1 protein function with a positive predictive value of 95%. This variant disrupts the triple helix domain of COL1A1. Glycine residues within the Gly-Xaa-Yaa repeats of the triple helix domain are required for the structure and stability of fibrillar collagens (PMID: 7695699, 8218237, 19344236). In COL1A1, variants affecting these glycine residues are significantly enriched in individuals with disease (PMID: 9016532, 17078022) compared to the general population (ExAC). For these reasons, this variant has been classified as Pathogenic.

Literature cited by the submitters: PubMed 27748872; PubMed 7695699; PubMed 8218237; PubMed 19344236; PubMed 9016532; PubMed 17078022.

NM_000088.4(COL1A1):c.1787G>C (p.Gly596Ala)

Gene: COL1A1 (collagen type I alpha 1 chain; minus strand). Cytogenetic location: 17q21.33.
Variant type: single nucleotide variant.
Coding change: c.1787G>C on transcript NM_000088.4 (MANE Select); coding-DNA position 1787, G replaced by C.
Protein change: p.Gly596Ala; replaces glycine 596 with alanine.
Molecular consequence: missense variant.
Genome position (GRCh38, 1-based): chr17:50,193,028, C>G on the plus strand (G>C on the coding strand, the complement: COL1A1 is on the minus strand). VCF-style: chr17-50193028-C-G. GRCh37 (hg19) VCF-style: chr17-48270389-C-G.
Other names: short protein forms G596A.
Identifiers: ClinVar variation 2138074 (VCV002138074.4), dbSNP rs1402406091, ClinGen allele CA400214937.